The following is an entry in ClinVar:

ClinVar aggregate classification (germline): Pathogenic/Likely pathogenic. Review status: criteria provided, multiple submitters, no conflicts (2 of 4 stars). 7 submissions from 7 submitters: Pathogenic (3); Likely pathogenic (4). Last evaluated 2026-03-06.

Conditions:
Joubert syndrome 3 (JBTS3). Also called: AHI1-related Ciliopathy. Identifiers: Orphanet 220493, MedGen C1837713, MONDO:0012078, OMIM 608629.
Retinal dystrophy. Also called: Inherited retinal dystrophy. Identifiers: Orphanet 71862, MedGen C0854723, MeSH D058499, MONDO:0019118, HP:0000556.
Joubert syndrome. Also called: JOUBERT-BOLTSHAUSER SYNDROME; Familial aplasia of the vermis. Identifiers: Orphanet 475, MedGen C5979921, MONDO:0018772.
AHI1-related disorder. Also called: AHI1-related condition.

Submissions (7):

PreventionGenetics, part of Exact Sciences
Classification: Likely pathogenic for AHI1-related condition. Last evaluated: 2026-03-06. Review status: criteria provided, single submitter. Criteria: ACMG Guidelines, 2015. Collection method: clinical testing. Allele origin: germline.
Comment: The AHI1 c.72_85del14 variant is predicted to result in a frameshift and premature protein termination (p.Ser24Argfs*13). To our knowledge, this variant has not been reported in individuals with AHI1-associated disease in the literature. This variant is reported in 0.0053% of alleles in individuals of European (Non-Finnish) descent in gnomAD. Frameshift variants in AHI1 are expected to be pathogenic. This variant is interpreted as likely pathogenic.

Labcorp Genetics (formerly Invitae), Labcorp
Classification: Pathogenic for Joubert syndrome. Last evaluated: 2026-01-29. Review status: criteria provided, single submitter. Criteria: Invitae Variant Classification Sherloc (09022015). Collection method: clinical testing. Allele origin: germline.
Comment: This sequence change creates a premature translational stop signal (p.Ser24Argfs*13) in the AHI1 gene. It is expected to result in an absent or disrupted protein product. Loss-of-function variants in AHI1 are known to be pathogenic (PMID: 15322546, 16453322, 28442542, 29186038). This variant is present in population databases (rs780910490, gnomAD 0.004%). This variant has not been reported in the literature in individuals affected with AHI1-related conditions. ClinVar contains an entry for this variant (Variation ID: 503987). For these reasons, this variant has been classified as Pathogenic.

GeneDx
Classification: Likely pathogenic. Last evaluated: 2025-07-08. Review status: criteria provided, single submitter. Criteria: GeneDx Variant Classification Process June 2021. Collection method: clinical testing. Allele origin: germline. Affected: yes.
Comment: Frameshift variant predicted to result in protein truncation or nonsense mediated decay in a gene for which loss of function is a known mechanism of disease; Not observed at significant frequency in large population cohorts (gnomAD); Has not been previously published in association with disease to our knowledge; This variant is associated with the following publications: (PMID: 16453322, 15322546, 31589614, 31964843)

First Genomix Gene Laboratory, Genetic Diagnostics Department
Classification: Pathogenic for Joubert syndrome 3. Last evaluated: 2025-06-03. Review status: criteria provided, single submitter. Criteria: ACMG Guidelines, 2015. Collection method: clinical testing. Allele origin: germline. Inheritance: Autosomal recessive inheritance. Affected: no. Observed: 1 variant allele.

Fulgent Genetics
Classification: Likely pathogenic for Joubert syndrome 3. Last evaluated: 2024-06-06. Review status: criteria provided, single submitter. Criteria: ACMG Guidelines, 2015. Collection method: clinical testing. Allele origin: germline.

Blueprint Genetics
Classification: Likely pathogenic for AHI1-related disorders. Last evaluated: 2022-02-28. Review status: criteria provided, single submitter. Criteria: ACMG Guidelines, 2015. Collection method: clinical testing. Allele origin: germline. Affected: yes. Observed: 5 variant alleles.

Institute of Human Genetics, Univ. Regensburg, Univ. Regensburg
Classification: Pathogenic for Retinal dystrophy. Last evaluated: 2022-01-01. Review status: criteria provided, single submitter. Criteria: ACMG Guidelines, 2015. Collection method: clinical testing. Allele origin: germline. Affected: yes.

Literature cited by the submitters: PubMed 15322546 (cited by Labcorp Genetics (formerly Invitae), Labcorp); PubMed 16453322 (cited by Labcorp Genetics (formerly Invitae), Labcorp); PubMed 28442542 (cited by Labcorp Genetics (formerly Invitae), Labcorp); PubMed 29186038 (cited by Labcorp Genetics (formerly Invitae), Labcorp); PubMed 31589614 (cited by Institute of Human Genetics, Univ. Regensburg, Univ. Regensburg); PubMed 3196484 (cited by Institute of Human Genetics, Univ. Regensburg, Univ. Regensburg).

NM_001134831.2(AHI1):c.72_85del (p.Ser24fs)

Gene: AHI1 (Abelson helper integration site 1; minus strand). Cytogenetic location: 6q23.3.
Variant type: Deletion.
Coding change: c.72_85del on transcript NM_001134831.2 (MANE Select); coding-DNA positions 72 to 85, 14 bases deleted (TGATCTAATGCGTG).
Protein change: p.Ser24fs; shifts the reading frame from serine 24.
Molecular consequence: frameshift variant.
Genome position (GRCh38, 1-based): chr6:135,490,673-135,490,686, CACGCATTAGATCA deleted on the plus strand (TGATCTAATGCGTG on the coding strand, the reverse complement: AHI1 is on the minus strand); deleting any 14 consecutive bases within chr6:135,490,673-135,490,687 gives the same sequence; the c. name uses the placement nearest the transcript's 3' end. VCF-style (leftmost placement, unchanged base first): chr6-135490672-TCACGCATTAGATCA-T. GRCh37 (hg19) VCF-style: chr6-135811810-TCACGCATTAGATCA-T.
Other names: c.72_85delTGATCTAATGCGTG (NM_017651.4, NM_017651.5); c.72_85del14 (NM_017651.4); c.72_85del, p.Ser24fs (NM_001134830.2, NM_001134832.2, NM_001350503.2 and 2 more transcripts); short protein forms S24fs.
Identifiers: ClinVar variation 503987 (VCV000503987.19), dbSNP rs780910490, ClinGen allele CA4012955.
Genomic context (GRCh38, chr6:135,490,672, plus strand): 5'-CATTTACTTACTGAGATGTTTTCTTCAGACCTGACAAGTTTTTTCTTCAGTTTTTTCTTT[TCACGCATTAGATCA>T]CTGTGGGTCTTAAGCAATTCTTCAAAGCGAACTTTGGTTTTTACTTTTGCTTCACTCTCA-3'